The following is an entry in ClinVar:

ClinVar aggregate classification (germline): Uncertain significance (1 of 4 stars; one submission).

Conditions:
Wilms tumor 1 (WT1). Also called: Wilms tumor, somatic. Identifiers: Orphanet 654, MedGen CN033288, MONDO:0008679, OMIM 194070.

Submission:

Labcorp Genetics (formerly Invitae), Labcorp
Classification: Uncertain significance for Wilms tumor 1. Last evaluated: 2021-04-19. Review status: criteria provided, single submitter. Criteria: Invitae Variant Classification Sherloc (09022015). Collection method: clinical testing. Allele origin: germline.
Comment: This sequence change replaces leucine with methionine at codon 484 of the GPC3 protein (p.Leu484Met). The leucine residue is weakly conserved and there is a small physicochemical difference between leucine and methionine. This variant is not present in population databases (ExAC no frequency). This variant has not been reported in the literature in individuals with GPC3-related conditions. Algorithms developed to predict the effect of missense changes on protein structure and function (SIFT, PolyPhen-2, Align-GVGD) all suggest that this variant is likely to be tolerated, but these predictions have not been confirmed by published functional studies and their clinical significance is uncertain. In summary, the available evidence is currently insufficient to determine the role of this variant in disease. Therefore, it has been classified as a Variant of Uncertain Significance.

NM_004484.4(GPC3):c.1450C>A (p.Leu484Met)

Gene: GPC3 (glypican 3; minus strand). Cytogenetic location: Xq26.2.
Variant type: single nucleotide variant.
Coding change: c.1450C>A on transcript NM_004484.4 (MANE Select); coding-DNA position 1450, C replaced by A.
Protein change: p.Leu484Met; replaces leucine 484 with methionine.
Molecular consequence: missense variant.
Genome position (GRCh38, 1-based): chrX:133,596,563, G>T on the plus strand (C>A on the coding strand, the complement: GPC3 is on the minus strand). VCF-style: chrX-133596563-G-T. GRCh37 (hg19) VCF-style: chrX-132730591-G-T.
Other names: c.1519C>A, p.Leu507Met (NM_001164617.2); c.1402C>A, p.Leu468Met (NM_001164618.2); c.1288C>A, p.Leu430Met (NM_001164619.2); short protein forms L430M, L484M, L468M, L507M.
Identifiers: ClinVar variation 1465571 (VCV001465571.8), dbSNP rs2124331070, ClinGen allele CA414701514.